The following is an entry in ClinVar:

ClinVar aggregate classification (germline): Uncertain significance (1 of 4 stars; one submission).

gnomAD v4.1: 1 of 1,612,718 alleles (0.000062%); highest among the groups gnomAD compares: Middle Eastern, 0.016%; no homozygotes.

Submission:

GeneDx
Classification: Uncertain significance. Last evaluated: 2026-02-02. Review status: criteria provided, single submitter. Criteria: GeneDx Variant Classification Process June 2021. Collection method: clinical testing. Allele origin: germline.
Comment: Not observed at significant frequency in large population cohorts (gnomAD); In silico analysis suggests that this missense variant does not alter protein structure/function; Has not been previously published as pathogenic or benign to our knowledge

NM_017617.5(NOTCH1):c.3464A>G (p.Gln1155Arg)

Gene: NOTCH1 (notch receptor 1; minus strand). Cytogenetic location: 9q34.3.
Variant type: single nucleotide variant.
Coding change: c.3464A>G on transcript NM_017617.5 (MANE Select); coding-DNA position 3464, A replaced by G.
Protein change: p.Gln1155Arg; replaces glutamine 1155 with arginine.
Molecular consequence: missense variant.
Genome position (GRCh38, 1-based): chr9:136,508,001, T>C on the plus strand (A>G on the coding strand, the complement: NOTCH1 is on the minus strand). VCF-style: chr9-136508001-T-C. GRCh37 (hg19) VCF-style: chr9-139402453-T-C.
Other names: short protein forms Q1155R.
Identifiers: ClinVar variation 4976026 (VCV004976026.1).